The following is an entry in ClinVar:

ClinVar aggregate classification (germline): Uncertain significance. Review status: criteria provided, multiple submitters, no conflicts (2 of 4 stars). 2 submissions from 2 submitters: Uncertain significance (2). Last evaluated 2026-03-23.

Conditions:
Hereditary cancer-predisposing syndrome. Also called: Neoplastic Syndromes, Hereditary; Tumor predisposition; Hereditary Cancer Syndrome; Hereditary neoplastic syndrome. Identifiers: Orphanet 140162, MedGen C0027672, MeSH D009386, MONDO:0015356.

Submissions (2):

Ambry Genetics
Classification: Uncertain significance for Hereditary cancer-predisposing syndrome. Last evaluated: 2026-03-23. Review status: criteria provided, single submitter. Criteria: Ambry Variant Classification Scheme 2023. Collection method: clinical testing. Allele origin: germline.
Comment: The p.H379R variant (also known as c.1136A>G), located in coding exon 12 of the POLE gene, results from an A to G substitution at nucleotide position 1136. The histidine at codon 379 is replaced by arginine, an amino acid with highly similar properties. This amino acid position is conserved. In addition, this alteration is predicted to be tolerated by in silico analysis. Based on the available evidence, the clinical significance of this variant remains unclear.

Labcorp Genetics (formerly Invitae), Labcorp
Classification: Uncertain significance. Last evaluated: 2024-02-13. Review status: criteria provided, single submitter. Criteria: Invitae Variant Classification Sherloc (09022015). Collection method: clinical testing. Allele origin: germline.
Comment: This sequence change replaces histidine, which is basic and polar, with arginine, which is basic and polar, at codon 379 of the POLE protein (p.His379Arg). This variant is not present in population databases (gnomAD no frequency). This variant has not been reported in the literature in individuals affected with POLE-related conditions. ClinVar contains an entry for this variant (Variation ID: 1396929). Advanced modeling of protein sequence and biophysical properties (such as structural, functional, and spatial information, amino acid conservation, physicochemical variation, residue mobility, and thermodynamic stability) performed at Invitae indicates that this missense variant is not expected to disrupt POLE protein function with a negative predictive value of 80%. In summary, the available evidence is currently insufficient to determine the role of this variant in disease. Therefore, it has been classified as a Variant of Uncertain Significance.

NM_006231.4(POLE):c.1136A>G (p.His379Arg)

Gene: POLE (DNA polymerase epsilon, catalytic subunit; minus strand). Cytogenetic location: 12q24.33.
Variant type: single nucleotide variant.
Coding change: c.1136A>G on transcript NM_006231.4 (MANE Select); coding-DNA position 1136, A replaced by G.
Protein change: p.His379Arg; replaces histidine 379 with arginine.
Molecular consequence: missense variant.
Genome position (GRCh38, 1-based): chr12:132,675,488, T>C on the plus strand (A>G on the coding strand, the complement: POLE is on the minus strand). VCF-style: chr12-132675488-T-C. GRCh37 (hg19) VCF-style: chr12-133252074-T-C.
Other names: c.1136A>G (NM_006231.2); short protein forms H379R.
Identifiers: ClinVar variation 1396929 (VCV001396929.9), dbSNP rs2136009303, ClinGen allele CA387361094.
Genomic context (GRCh38, chr12:132,675,488, plus strand): 5'-GCCTTGTACTCCCCCTGGCTGTCCTTCTGGAAGCCTATCTCCTGCTGCATGCTCAGACCG[T>C]GGACTGCTGCCCGGGCCTCCACAAATGGCCTGGGTTGGAAAGAGGACAGACAAGCAAGTG-3'
Protein context (NP_006222.2, residues 369-389): WPFVEARAAV[His379Arg]GLSMQQEIGF